The following is an entry in ClinVar:

ClinVar aggregate classification (germline): Uncertain significance. Review status: criteria provided, multiple submitters, no conflicts (2 of 4 stars). 2 submissions from 2 submitters: Uncertain significance (2). Last evaluated 2025-07-23.

Conditions:
Ehlers-Danlos syndrome, periodontal type 2. Identifiers: MedGen C4310681, MONDO:0014954, OMIM 617174.

Allele frequency attached by ClinVar (database versions not stated): TOPMed 0.00001; ExAC 0.00002.
gnomAD v4.1: 12 of 1,611,844 alleles (0.00074%); highest among the groups gnomAD compares: Middle Eastern, 0.017%; no homozygotes.

Submissions (2):

Labcorp Genetics (formerly Invitae), Labcorp
Classification: Uncertain significance. Last evaluated: 2025-07-23. Review status: criteria provided, single submitter. Criteria: Invitae Variant Classification Sherloc (09022015). Collection method: clinical testing. Allele origin: germline.
Comment: This sequence change replaces serine, which is neutral and polar, with leucine, which is neutral and non-polar, at codon 339 of the C1S protein (p.Ser339Leu). This variant is present in population databases (rs781913781, gnomAD 0.006%). This variant has not been reported in the literature in individuals affected with C1S-related conditions. ClinVar contains an entry for this variant (Variation ID: 1896277). Invitae Evidence Modeling of protein sequence and biophysical properties (such as structural, functional, and spatial information, amino acid conservation, physicochemical variation, residue mobility, and thermodynamic stability) indicates that this missense variant is not expected to disrupt C1S protein function with a negative predictive value of 80%. Algorithms developed to predict the effect of sequence changes on RNA splicing suggest that this variant may disrupt the consensus splice site. In summary, the available evidence is currently insufficient to determine the role of this variant in disease. Therefore, it has been classified as a Variant of Uncertain Significance.

Neuberg Centre For Genomic Medicine, NCGM
Classification: Uncertain significance for Ehlers-Danlos syndrome, periodontal type 2. Last evaluated: 2023-05-20. Review status: criteria provided, single submitter. Criteria: ACMG Guidelines, 2015. Collection method: clinical testing. Allele origin: germline. Inheritance: Autosomal dominant inheritance. Affected: yes.
Comment: The observed missense c.1016C>T(p.Ser339Leu) variant in C1S gene has not been reported previously as a pathogenic variant nor as a benign variant, to our knowledge. This variant is present with an allele frequency of 0.002% in gnomAD Exomes database. This variant has been submitted to the ClinVar database as Uncertain Significance. Computational evidence (Polyphen - possibly damaging, SIFT - Tolerated and MutationTaster -disease causing) predicts conflicting evidence on protein structure and function for this variant. The reference amino acid is predicted as conserved by GERP++ and PhyloP across 100 vertebrates. The amino acid Ser at position 339 is changed to a Leu changing protein sequence and it might alter its composition and physico-chemical properties. For these reasons, this variant has been classified as Uncertain Significance (VUS).

NM_001734.5(C1S):c.1016C>T (p.Ser339Leu)

Gene: C1S (complement C1s; plus strand). Cytogenetic location: 12p13.31.
Variant type: single nucleotide variant.
Coding change: c.1016C>T on transcript NM_001734.5 (MANE Select); coding-DNA position 1016, C replaced by T.
Protein change: p.Ser339Leu; replaces serine 339 with leucine.
Molecular consequence: missense variant.
Genome position (GRCh38, 1-based): chr12:7,067,067, C>T. VCF-style: chr12-7067067-C-T. GRCh37 (hg19) VCF-style: chr12-7174371-C-T.
Other names: c.515C>T, p.Ser172Leu (NM_001346850.2); c.1016C>T, p.Ser339Leu (NM_201442.4); short protein forms S172L, S339L.
Identifiers: ClinVar variation 1896277 (VCV001896277.8), dbSNP rs781913781, ClinGen allele CA6423649.